The following is an entry in ClinVar:

NM_001142730.3(KCTD1):c.2071A>G (p.Met691Val)

Gene: KCTD1 (potassium channel tetramerization domain containing 1; minus strand). Cytogenetic location: 18q11.2.
Variant type: single nucleotide variant.
Coding change: c.2071A>G on transcript NM_001142730.3 (MANE Select); coding-DNA position 2071, A replaced by G.
Protein change: p.Met691Val; replaces methionine 691 with valine.
Molecular consequence: missense variant.
Genome position (GRCh38, 1-based): chr18:26,476,577, T>C on the plus strand (A>G on the coding strand, the complement: KCTD1 is on the minus strand). VCF-style: chr18-26476577-T-C. GRCh37 (hg19) VCF-style: chr18-24056541-T-C.
Other names: c.247A>G, p.Met83Val (NM_001136205.2, NM_001258221.2, NM_001351443.1 and 1 more transcripts); c.271A>G, p.Met91Val (NM_001258222.3); short protein forms M691V, M83V, M91V.
Identifiers: ClinVar variation 3675843 (VCV003675843.2).

ClinVar aggregate classification (germline): Uncertain significance (1 of 4 stars; one submission).

gnomAD v4.1: 1 of 1,613,576 alleles (0.000062%); highest among the groups gnomAD compares: Non-Finnish European, 0.000085%; no homozygotes.

Submission:

Labcorp Genetics (formerly Invitae), Labcorp
Classification: Uncertain significance. Last evaluated: 2024-06-28. Review status: criteria provided, single submitter. Criteria: Invitae Variant Classification Sherloc (09022015). Collection method: clinical testing. Allele origin: germline.
Comment: This sequence change replaces methionine, which is neutral and non-polar, with valine, which is neutral and non-polar, at codon 83 of the KCTD1 protein (p.Met83Val). This variant is not present in population databases (gnomAD no frequency). This variant has not been reported in the literature in individuals affected with KCTD1-related conditions. Advanced modeling of protein sequence and biophysical properties (such as structural, functional, and spatial information, amino acid conservation, physicochemical variation, residue mobility, and thermodynamic stability) performed at Invitae indicates that this missense variant is not expected to disrupt KCTD1 protein function with a negative predictive value of 80%. In summary, the available evidence is currently insufficient to determine the role of this variant in disease. Therefore, it has been classified as a Variant of Uncertain Significance.